The following is an entry in ClinVar:

ClinVar aggregate classification (germline): Uncertain significance (1 of 4 stars; one submission).

Conditions:
Hereditary cancer-predisposing syndrome. Also called: Neoplastic Syndromes, Hereditary; Tumor predisposition; Hereditary neoplastic syndrome; Hereditary Cancer Syndrome. Identifiers: Orphanet 140162, MedGen C0027672, MeSH D009386, MONDO:0015356.

Submission:

Ambry Genetics
Classification: Uncertain significance for Hereditary cancer-predisposing syndrome. Last evaluated: 2025-05-05. Review status: criteria provided, single submitter. Criteria: Ambry Variant Classification Scheme 2023. Collection method: clinical testing. Allele origin: germline.
Comment: The p.G2W variant (also known as c.4G>T), located in coding exon 1 of the MEN1 gene, results from a G to T substitution at nucleotide position 4. The glycine at codon 2 is replaced by tryptophan, an amino acid with highly dissimilar properties. This amino acid position is conserved. In addition, this alteration is predicted to be deleterious by in silico analysis. Based on the available evidence, the clinical significance of this variant remains unclear.

NM_001370259.2(MEN1):c.4G>T (p.Gly2Trp)

Gene: MEN1 (menin 1; minus strand). Cytogenetic location: 11q13.1.
Variant type: single nucleotide variant.
Coding change: c.4G>T on transcript NM_001370259.2 (MANE Select); coding-DNA position 4, G replaced by T.
Protein change: p.Gly2Trp; replaces glycine 2 with tryptophan.
Molecular consequence: missense variant. On other transcripts: non-coding transcript variant (4).
Genome position (GRCh38, 1-based): chr11:64,810,106, C>A on the plus strand (G>T on the coding strand, the complement: MEN1 is on the minus strand). VCF-style: chr11-64810106-C-A. GRCh37 (hg19) VCF-style: chr11-64577578-C-A.
Other names: c.4G>T, p.Gly2Trp (NM_000244.4, NM_001370251.2, NM_001370260.2 and 20 more transcripts); short protein forms G2W.
Identifiers: ClinVar variation 4053804 (VCV004053804.1).